The following is an entry in ClinVar:

NM_003907.3(EIF2B5):c.278T>C (p.Val93Ala)

Gene: EIF2B5 (eukaryotic translation initiation factor 2B subunit epsilon; plus strand). Cytogenetic location: 3q27.1.
Variant type: single nucleotide variant.
Coding change: c.278T>C on transcript NM_003907.3 (MANE Select); coding-DNA position 278, T replaced by C.
Protein change: p.Val93Ala; replaces valine 93 with alanine.
Molecular consequence: missense variant.
Genome position (GRCh38, 1-based): chr3:184,136,694, T>C. VCF-style: chr3-184136694-T-C. GRCh37 (hg19) VCF-style: chr3-183854482-T-C.
Other names: short protein forms V93A.
Identifiers: ClinVar variation 1912414 (VCV001912414.4), dbSNP rs746008885, ClinGen allele CA2726352.
Genomic context (GRCh38, chr3:184,136,694, plus strand): 5'-TGGCATTAATTGACTACACTCTGGAATTCCTGACTGCCACAGGTGTACAGGAAACATTTG[T>C]CTTTTGTTGCTGGAAAGCTGCTCAAATCAAAGAACATTTACTGTAAGGCCCTGCAACTTT-3'
Protein context (NP_003898.2, residues 83-103): LTATGVQETF[Val93Ala]FCCWKAAQIK

ClinVar aggregate classification (germline): Uncertain significance (1 of 4 stars; one submission).

Allele frequency attached by ClinVar (database versions not stated): gnomAD exomes below 0.00001; ExAC 0.00001.
gnomAD v4.1: 8 of 1,614,198 alleles (0.0005%); highest among the groups gnomAD compares: African/African-American, 0.004%; no homozygotes.

Submission:

Labcorp Genetics (formerly Invitae), Labcorp
Classification: Uncertain significance. Last evaluated: 2024-11-04. Review status: criteria provided, single submitter. Criteria: Invitae Variant Classification Sherloc (09022015). Collection method: clinical testing. Allele origin: germline.
Comment: This sequence change replaces valine, which is neutral and non-polar, with alanine, which is neutral and non-polar, at codon 93 of the EIF2B5 protein (p.Val93Ala). This variant is present in population databases (rs746008885, gnomAD 0.007%). This variant has not been reported in the literature in individuals affected with EIF2B5-related conditions. ClinVar contains an entry for this variant (Variation ID: 1912414). Invitae Evidence Modeling of protein sequence and biophysical properties (such as structural, functional, and spatial information, amino acid conservation, physicochemical variation, residue mobility, and thermodynamic stability) indicates that this missense variant is expected to disrupt EIF2B5 protein function with a positive predictive value of 80%. In summary, the available evidence is currently insufficient to determine the role of this variant in disease. Therefore, it has been classified as a Variant of Uncertain Significance.